The following is an entry in ClinVar:

NM_006208.3(ENPP1):c.282A>G (p.Ile94Met)

Gene: ENPP1 (ectonucleotide pyrophosphatase/phosphodiesterase 1; plus strand). Cytogenetic location: 6q23.2.
Variant type: single nucleotide variant.
Coding change: c.282A>G on transcript NM_006208.3 (MANE Select); coding-DNA position 282, A replaced by G.
Protein change: p.Ile94Met; replaces isoleucine 94 with methionine.
Molecular consequence: missense variant.
Genome position (GRCh38, 1-based): chr6:131,847,817, A>G. VCF-style: chr6-131847817-A-G. GRCh37 (hg19) VCF-style: chr6-132168957-A-G.
Other names: short protein forms I94M.
Identifiers: ClinVar variation 1916654 (VCV001916654.5), dbSNP rs371132655, ClinGen allele CA4001825.

ClinVar aggregate classification (germline): Uncertain significance (1 of 4 stars; one submission).

Allele frequency attached by ClinVar (database versions not stated): gnomAD exomes below 0.00001; ExAC 0.00001; gnomAD 0.00001; TOPMed 0.00001; ESP Exome Variant Server 0.00008.
gnomAD v4.1: 6 of 1,611,854 alleles (0.00037%); highest among the groups gnomAD compares: Non-Finnish European, 0.00042%; no homozygotes.

Submission:

Labcorp Genetics (formerly Invitae), Labcorp
Classification: Uncertain significance. Last evaluated: 2022-10-03. Review status: criteria provided, single submitter. Criteria: Invitae Variant Classification Sherloc (09022015). Collection method: clinical testing. Allele origin: germline.
Comment: In summary, the available evidence is currently insufficient to determine the role of this variant in disease. Therefore, it has been classified as a Variant of Uncertain Significance. Algorithms developed to predict the effect of missense changes on protein structure and function are either unavailable or do not agree on the potential impact of this missense change (SIFT: "Deleterious"; PolyPhen-2: "Probably Damaging"; Align-GVGD: "Class C0"). This variant has not been reported in the literature in individuals affected with ENPP1-related conditions. This variant is present in population databases (rs371132655, gnomAD 0.007%). This sequence change replaces isoleucine, which is neutral and non-polar, with methionine, which is neutral and non-polar, at codon 94 of the ENPP1 protein (p.Ile94Met).